The following is an entry in ClinVar:

NM_003742.4(ABCB11):c.390G>T (p.Gly130=)

Gene: ABCB11 (ATP binding cassette subfamily B member 11; minus strand). Cytogenetic location: 2q31.1.
Variant type: single nucleotide variant.
Coding change: c.390G>T on transcript NM_003742.4 (MANE Select); coding-DNA position 390, G replaced by T.
Protein change: p.Gly130=; no amino-acid change (glycine 130 retained).
Molecular consequence: synonymous variant.
Genome position (GRCh38, 1-based): chr2:168,996,722, C>A on the plus strand (G>T on the coding strand, the complement: ABCB11 is on the minus strand). VCF-style: chr2-168996722-C-A. GRCh37 (hg19) VCF-style: chr2-169853232-C-A.
Other names: p.Gly130=; NM_003742.4(ABCB11):c.390G>T.
Identifiers: ClinVar variation 2682755 (VCV002682755.3), dbSNP rs1485188076, ClinGen allele CA429917599.

ClinVar aggregate classification (germline): Uncertain significance. Review status: criteria provided, multiple submitters, no conflicts (2 of 4 stars). 3 submissions from 3 submitters: Uncertain significance (3). Last evaluated 2026-04-14.

Conditions:
Familial intrahepatic cholestasis. Identifiers: Orphanet 284385, MedGen CN296401, MONDO:0017290.
Progressive familial intrahepatic cholestasis type 2. Identifiers: Orphanet 79304, MedGen C3489789, MONDO:0011156, OMIM 601847.

Allele frequency attached by ClinVar (database versions not stated): TOPMed below 0.00001; gnomAD exomes below 0.00001.
gnomAD v4.1: 5 of 1,541,878 alleles (0.00032%); highest among the groups gnomAD compares: Admixed American, 0.0019%; no homozygotes.

Submissions (3):

Genomenon, Inc
Classification: Uncertain significance for Familial intrahepatic cholestasis. Last evaluated: 2026-04-14. Review status: criteria provided, single submitter. Criteria: Genomenon Sequence Variant Interpretation Standards - Updated. Collection method: curation. Allele origin: germline. Affected: yes.
Comment: ABCB11 c.390G>T is a synonymous variant that retains Glycine at residue 130. This variant has been observed in at least one proband with an ABCB11-related disorder (PMID:21766090). The variant was found to segregate with disease in at least one affected family (PMID:21766090). It is absent or not present at a significant frequency in gnomAD. In silico models predict that this variant is possibly or probably damaging. In conclusion, we classify ABCB11 p.Gly130= (c.390G>T) as a variant of uncertain significance.

Broad Center for Mendelian Genomics, Broad Institute of MIT and Harvard
Classification: Uncertain significance for Progressive familial intrahepatic cholestasis type 2. Last evaluated: 2025-02-03. Review status: criteria provided, single submitter. Criteria: ACMG Guidelines, 2015. Collection method: curation. Allele origin: germline. Inheritance: Autosomal recessive inheritance.
Comment: The p.Gly130= variant in ABCB11 has been reported, in the compound heterozygous state, in 2 affected siblings with BSEP deficiency (PMID: 21766090), and has been identified in 0.002% (1/52776) of Latino/Admixed American chromosomes by the Genome Aggregation Database (gnomAD; dbSNP rs1485188076). Although this variant has been seen in the general population in a heterozygous state, its frequency is low enough to be consistent with a recessive carrier frequency. This variant has also been reported in ClinVar (Variation ID: 2682755) and has been interpreted as a variant of uncertain significance by Mayo Clinic. Computational prediction tools and conservation analyses suggest that this variant may impact the protein, though this information is not predictive enough to determine pathogenicity. In summary, the clinical significance of the p.Gly130= variant is uncertain. ACMG/AMP Criteria applied: PP3, PM2_supporting (Richards 2015).

Mayo Clinic Laboratories, Mayo Clinic
Classification: Uncertain significance. Last evaluated: 2022-03-15. Review status: criteria provided, single submitter. Criteria: ACMG Guidelines, 2015. Collection method: clinical testing. Allele origin: germline. Observed: 1 variant allele.

Literature cited by the submitters: PubMed 21766090 (cited by Genomenon, Inc and Mayo Clinic Laboratories, Mayo Clinic).